The following is an entry in ClinVar:

ClinVar aggregate classification (germline): Likely benign. Review status: reviewed by expert panel (3 of 4 stars). 2 submissions from 2 submitters: Likely benign (1). 1 of the submissions does not count toward it. Last evaluated 2025-12-19.

Conditions:
Immunodeficiency 14 (IMD14A). Also called: p110-DELTA-ACTIVATING MUTATION CAUSING SENESCENT T CELLS, LYMPHADENOPATHY, AND IMMUNODEFICIENCY; IMMUNODEFICIENCY 14A WITH LYMPHOPROLIFERATION, AUTOSOMAL DOMINANT; ACTIVATED PI3K-DELTA SYNDROME 1; Activated PI3K Delta Syndrome Type 1 (APDS1). Identifiers: Orphanet 397596, Orphanet 693661, MedGen C5907821, MONDO:0014222, OMIM 615513.

Allele frequency attached by ClinVar (database versions not stated): gnomAD 0.00002 and 0.00001; gnomAD exomes 0.00001 and 0.00002; TOPMed 0.00003; 1000 Genomes Project 30x 0.00031; 1000 Genomes Project 0.00020; ExAC 0.00001.
gnomAD v4.1: 31 of 1,612,486 alleles (0.0019%); highest among the groups gnomAD compares: East Asian, 0.0067%; no homozygotes.

Submissions (2):

ClinGen Primary Immune Regulatory Disorders Variant Curation Expert Panel, ClinGen
Classification: Likely benign for Immunodeficiency 14. Last evaluated: 2025-12-19. Review status: reviewed by expert panel. Criteria: ClinGen AbDef ACMG Specifications PIK3CD V1.0.0. Collection method: curation. Allele origin: germline. Inheritance: Autosomal dominant inheritance.
Comment: NM_005026.5(PIK3CD):c.580G>A (p.Val194Ile) is a missense variant that causes substitution of valine by isoleucine at amino acid 194. This variant is present in gnomAD v4.1.0 at a total combined allele frequency of 0.00001922, with 31 alleles / 1,612,486 total alleles across all populations of gnomAD, which is higher than the ClinGen Antibody Deficiencies VCEP PM2_Supporting threshold of <0.00000132. The variant is present in gnomAD v.4.1.0 at a GrpMax allele frequency of 0.00001774, with 3 alleles / 44,862 total alleles in the East Asian population, which is lower than the BS1 threshold of >0.000316, so no population code can be applied. This variant has been observed in 1 patient with an alternate molecular basis for disease, with the diagnosis of glycogen storage disease type Ib attributed to a homozygous nonsense variant in the SLC37A4 gene (PMID: 36129616). BP5 was not met as 2 such occurrences are required to apply this criterion. The computational predictor REVEL gives a score of 0.048, which is below the ClinGen Antibody Deficiencies VCEP threshold of <0.290 and predicts a non-damaging effect on PIK3CD function. The computational predictor CADD gives a PHRED score of 22.1, which is below the ClinGen Antibody Deficiencies VCEP threshold of <22.7 and predicts a non-deleterious effect on PIK3CD function. The two predictors agree on a non-damaging effect (BP4). In summary, this variant meets the criteria to be classified as likely benign for autosomal dominant immunodeficiency 14 based on the ACMG/AMP criteria applied, as specified by the ClinGen Antibody Deficiencies VCEP: BP4. (VCEP specifications version 1.0.0).

Labcorp Genetics (formerly Invitae), Labcorp
Classification: Uncertain significance for Activated PI3K-delta syndrome. Last evaluated: 2025-12-09. Review status: criteria provided, single submitter. Criteria: Invitae Variant Classification Sherloc (09022015). Collection method: clinical testing. Allele origin: germline. Not counted in ClinVar's aggregate classification.
Comment: This sequence change replaces valine, which is neutral and non-polar, with isoleucine, which is neutral and non-polar, at codon 194 of the PIK3CD protein (p.Val194Ile). This variant is present in population databases (rs569586715, gnomAD 0.005%). This missense change has been observed in individual(s) with immunodeficiency (PMID: 36129616). ClinVar contains an entry for this variant (Variation ID: 644329). Invitae Evidence Modeling of protein sequence and biophysical properties (such as structural, functional, and spatial information, amino acid conservation, physicochemical variation, residue mobility, and thermodynamic stability) indicates that this missense variant is not expected to disrupt PIK3CD protein function with a negative predictive value of 80%. In summary, the available evidence is currently insufficient to determine the role of this variant in disease. Therefore, it has been classified as a Variant of Uncertain Significance.

Literature cited by the submitters: PubMed 36129616 (cited by Labcorp Genetics (formerly Invitae), Labcorp).

NM_005026.5(PIK3CD):c.580G>A (p.Val194Ile)

Gene: PIK3CD (phosphatidylinositol-4,5-bisphosphate 3-kinase catalytic subunit delta; plus strand). Cytogenetic location: 1p36.22.
Variant type: single nucleotide variant.
Coding change: c.580G>A on transcript NM_005026.5 (MANE Select); coding-DNA position 580, G replaced by A.
Protein change: p.Val194Ile; replaces valine 194 with isoleucine.
Molecular consequence: missense variant.
Genome position (GRCh38, 1-based): chr1:9,716,058, G>A. VCF-style: chr1-9716058-G-A. GRCh37 (hg19) VCF-style: chr1-9776116-G-A.
Other names: NM_005026.5(PIK3CD):c.580G>A; p.Val194Ile; c.580G>A (LRG_191t1); c.580G>A, p.Val194Ile (NM_001350234.2, NM_001350235.1); short protein forms V194I.
Identifiers: ClinVar variation 644329 (VCV000644329.7), dbSNP rs569586715, ClinGen allele CA576907.